The following is an entry in ClinVar:

NM_001458.5(FLNC):c.3056G>A (p.Gly1019Asp)

Gene: FLNC (filamin C; plus strand). Cytogenetic location: 7q32.1.
Variant type: single nucleotide variant.
Coding change: c.3056G>A on transcript NM_001458.5 (MANE Select); coding-DNA position 3056, G replaced by A.
Protein change: p.Gly1019Asp; replaces glycine 1019 with aspartic acid.
Molecular consequence: missense variant.
Genome position (GRCh38, 1-based): chr7:128,844,130, G>A. VCF-style: chr7-128844130-G-A. GRCh37 (hg19) VCF-style: chr7-128484184-G-A.
Other names: c.3056G>A, p.Gly1019Asp (NM_001127487.2); short protein forms G1019D.
Identifiers: ClinVar variation 2941857 (VCV002941857.3), dbSNP rs2536635622, ClinGen allele CA369194134.

ClinVar aggregate classification (germline): Uncertain significance (1 of 4 stars; one submission).

Conditions:
Hypertrophic cardiomyopathy 26. Also called: Cardiomyopathy, familial hypertrophic, 26. Identifiers: Orphanet 75249, MedGen C4310749, MONDO:0014883, OMIM 617047.
Myofibrillar myopathy 5. Also called: Filaminopathy (type); FILAMINOPATHY, AUTOSOMAL DOMINANT. Identifiers: Orphanet 171445, MedGen C1836050, MONDO:0012289, OMIM 609524.
Distal myopathy with posterior leg and anterior hand involvement. Also called: WILLIAMS DISTAL MYOPATHY. Identifiers: Orphanet 63273, MedGen C3279722, MONDO:0013550, OMIM 614065.

Submission:

Labcorp Genetics (formerly Invitae), Labcorp
Classification: Uncertain significance for Distal myopathy with posterior leg and anterior hand involvement; Myofibrillar myopathy 5; Hypertrophic cardiomyopathy 26. Last evaluated: 2022-11-26. Review status: criteria provided, single submitter. Criteria: Invitae Variant Classification Sherloc (09022015). Collection method: clinical testing. Allele origin: germline.
Comment: This sequence change replaces glycine, which is neutral and non-polar, with aspartic acid, which is acidic and polar, at codon 1019 of the FLNC protein (p.Gly1019Asp). This variant is not present in population databases (gnomAD no frequency). This variant has not been reported in the literature in individuals affected with FLNC-related conditions. Algorithms developed to predict the effect of missense changes on protein structure and function (SIFT, PolyPhen-2, Align-GVGD) all suggest that this variant is likely to be tolerated. In summary, the available evidence is currently insufficient to determine the role of this variant in disease. Therefore, it has been classified as a Variant of Uncertain Significance.